The following is an entry in ClinVar:

ClinVar aggregate classification (germline): Conflicting classifications of pathogenicity. Review status: criteria provided, conflicting classifications (1 of 4 stars). 6 submissions from 6 submitters: Uncertain significance (1); Likely benign (4). 1 of the submissions does not count toward it. Last evaluated 2025-12-14.

Conditions:
Usher syndrome type 1 (USH1). Also called: RETINITIS PIGMENTOSA AND CONGENITAL DEAFNESS. Identifiers: Orphanet 231169, Orphanet 886, MedGen C1568247, MONDO:0010168, OMIM 276900.

Allele frequency attached by ClinVar (database versions not stated): gnomAD exomes 0.00003 and 0.00007; ExAC 0.00009; gnomAD 0.00010; 1000 Genomes Project 0.00020; ESP Exome Variant Server 0.00023; TOPMed 0.00028; 1000 Genomes Project 30x 0.00031.
gnomAD v4.1: 73 of 1,612,730 alleles (0.0045%); highest among the groups gnomAD compares: African/African-American, 0.064%; no homozygotes.

Submissions (6):

Labcorp Genetics (formerly Invitae), Labcorp
Classification: Likely benign. Last evaluated: 2025-12-14. Review status: criteria provided, single submitter. Criteria: Invitae Variant Classification Sherloc (09022015). Collection method: clinical testing. Allele origin: germline.

Blueprint Genetics
Classification: Likely benign. Last evaluated: 2024-11-01. Review status: criteria provided, single submitter. Criteria: ACMG Guidelines, 2015. Collection method: clinical testing. Allele origin: germline.

GeneDx
Classification: Likely benign. Last evaluated: 2020-10-01. Review status: criteria provided, single submitter. Criteria: GeneDx Variant Classification Process June 2021. Collection method: clinical testing. Allele origin: germline. Affected: yes.

Eurofins Ntd Llc (ga)
Classification: Uncertain significance. Last evaluated: 2016-04-08. Review status: criteria provided, single submitter. Criteria: EGL Classification Definitions 2015. Collection method: clinical testing. Allele origin: germline. Observed: 1 variant allele, 1 heterozygote.

Laboratory for Molecular Medicine, Mass General Brigham Personalized Medicine
Classification: Likely benign. Last evaluated: 2013-09-26. Review status: criteria provided, single submitter. Criteria: LMM Criteria. Collection method: clinical testing. Allele origin: germline. Observed: 2 variant alleles.
Comment: Thr1568Thr in Exon 38 of CDH23: This variant is not expected to have clinical si gnificance because it does not alter an amino acid residue, is not located withi n the splice consensus sequence and it has been identified in 0.78% (1/128) of M exican chromosomes by the 1000 Genome Project as well as 0.06% (3/4386) of Afric an American chromosomes from a broad population by the NHLBI Exome Sequencing Pr oject.

Natera, Inc.
Classification: Likely benign for Usher syndrome type 1. Last evaluated: 2020-01-27. Review status: no assertion criteria provided. Collection method: clinical testing. Allele origin: germline. Not counted in ClinVar's aggregate classification.

NM_022124.6(CDH23):c.4704C>T (p.Thr1568=)

Gene: CDH23 (cadherin related 23; plus strand). Cytogenetic location: 10q22.1.
Variant type: single nucleotide variant.
Coding change: c.4704C>T on transcript NM_022124.6 (MANE Select); coding-DNA position 4704, C replaced by T.
Protein change: p.Thr1568=; no amino-acid change (threonine 1568 retained).
Molecular consequence: synonymous variant.
Genome position (GRCh38, 1-based): chr10:71,741,780, C>T. VCF-style: chr10-71741780-C-T. GRCh37 (hg19) VCF-style: chr10-73501537-C-T.
Identifiers: ClinVar variation 179237 (VCV000179237.21), dbSNP rs186866326, ClinGen allele CA184026.